The following is an entry in ClinVar:

NM_001244008.2(KIF1A):c.3140G>A (p.Gly1047Asp)

Gene: KIF1A (kinesin family member 1A; minus strand). Cytogenetic location: 2q37.3.
Variant type: single nucleotide variant.
Coding change: c.3140G>A on transcript NM_001244008.2 (MANE Select); coding-DNA position 3140, G replaced by A.
Protein change: p.Gly1047Asp; replaces glycine 1047 with aspartic acid.
Molecular consequence: missense variant.
Genome position (GRCh38, 1-based): chr2:240,746,101, C>T on the plus strand (G>A on the coding strand, the complement: KIF1A is on the minus strand). VCF-style: chr2-240746101-C-T. GRCh37 (hg19) VCF-style: chr2-241685518-C-T.
Other names: c.2837G>A, p.Gly946Asp (NM_001379649.1, NM_001379650.1, NM_001379651.1 and 7 more transcripts); c.2864G>A, p.Gly955Asp (NM_001320705.2, NM_001330289.2, NM_001379638.1); c.2939G>A, p.Gly980Asp (NM_001330290.2, NM_001379634.1, NM_001379635.1 and 1 more transcripts); c.3215G>A, p.Gly1072Asp (NM_001379631.1); c.3089G>A, p.Gly1030Asp (NM_001379632.1); c.3113G>A, p.Gly1038Asp (NM_001379633.1, NM_001379642.1, NM_001379645.1); c.2912G>A, p.Gly971Asp (NM_001379637.1, NM_001379648.1); short protein forms G955D, G971D, G1030D, G1038D, G1047D, G1072D, G980D, G946D.
Identifiers: ClinVar variation 2952221 (VCV002952221.3), dbSNP rs1413822249, ClinGen allele CA351318878.

ClinVar aggregate classification (germline): Uncertain significance (1 of 4 stars; one submission).

Conditions:
Neuropathy, hereditary sensory, type 2C. Also called: KIF1A-Related HSAN2 (HSAN2C); Hereditary sensory and autonomic neuropathy type IIC. Identifiers: Orphanet 970, MedGen C3280168, MONDO:0013634, OMIM 614213.
Hereditary spastic paraplegia 30. Identifiers: Orphanet 101010, MedGen C5235139, MONDO:0012476.
Intellectual disability, autosomal dominant 9 (NESCAVS). Also called: NESCAV SYNDROME; KIF1A-Related Neurodevelopmental Disorder. Identifiers: Orphanet 662367, MedGen C5393830, MONDO:0013656, OMIM 614255.

Submission:

Labcorp Genetics (formerly Invitae), Labcorp
Classification: Uncertain significance for Hereditary spastic paraplegia 30; Neuropathy, hereditary sensory, type 2C; Intellectual disability, autosomal dominant 9. Last evaluated: 2023-09-24. Review status: criteria provided, single submitter. Criteria: Invitae Variant Classification Sherloc (09022015). Collection method: clinical testing. Allele origin: germline.
Comment: This sequence change replaces glycine, which is neutral and non-polar, with aspartic acid, which is acidic and polar, at codon 946 of the KIF1A protein (p.Gly946Asp). This variant is not present in population databases (gnomAD no frequency). This variant has not been reported in the literature in individuals affected with KIF1A-related conditions. Advanced modeling of protein sequence and biophysical properties (such as structural, functional, and spatial information, amino acid conservation, physicochemical variation, residue mobility, and thermodynamic stability) has been performed at Invitae for this missense variant, however the output from this modeling did not meet the statistical confidence thresholds required to predict the impact of this variant on KIF1A protein function. In summary, the available evidence is currently insufficient to determine the role of this variant in disease. Therefore, it has been classified as a Variant of Uncertain Significance.